The following is an entry in ClinVar:

NM_014319.5(LEMD3):c.923C>G (p.Thr308Ser)

Gene: LEMD3 (LEM domain containing 3; plus strand). Cytogenetic location: 12q14.3.
Variant type: single nucleotide variant.
Coding change: c.923C>G on transcript NM_014319.5 (MANE Select); coding-DNA position 923, C replaced by G.
Protein change: p.Thr308Ser; replaces threonine 308 with serine.
Molecular consequence: missense variant.
Genome position (GRCh38, 1-based): chr12:65,170,519, C>G. VCF-style: chr12-65170519-C-G. GRCh37 (hg19) VCF-style: chr12-65564299-C-G.
Other names: c.923C>G, p.Thr308Ser (NM_001167614.2); short protein forms T308S.
Identifiers: ClinVar variation 4764213 (VCV004764213.1).

ClinVar aggregate classification (germline): Uncertain significance (1 of 4 stars; one submission).

gnomAD v4.1: 1 of 1,614,102 alleles (0.000062%); highest among the groups gnomAD compares: African/African-American, 0.0013%; no homozygotes.

Submission:

Labcorp Genetics (formerly Invitae), Labcorp
Classification: Uncertain significance. Last evaluated: 2025-05-02. Review status: criteria provided, single submitter. Criteria: Invitae Variant Classification Sherloc (09022015). Collection method: clinical testing. Allele origin: germline.
Comment: This sequence change replaces threonine, which is neutral and polar, with serine, which is neutral and polar, at codon 308 of the LEMD3 protein (p.Thr308Ser). This variant is present in population databases (no rsID available, gnomAD 0.007%). This variant has not been reported in the literature in individuals affected with LEMD3-related conditions. Invitae Evidence Modeling of protein sequence and biophysical properties (such as structural, functional, and spatial information, amino acid conservation, physicochemical variation, residue mobility, and thermodynamic stability) indicates that this missense variant is not expected to disrupt LEMD3 protein function with a negative predictive value of 80%. In summary, the available evidence is currently insufficient to determine the role of this variant in disease. Therefore, it has been classified as a Variant of Uncertain Significance.